The following is an entry in ClinVar:

ClinVar aggregate classification (germline): Pathogenic (1 of 4 stars; one submission).

Conditions:
Juvenile polyposis syndrome (JPS). Identifiers: Orphanet 2929, MedGen C0345893, MONDO:0017380, OMIM 174900.

Submission:

Labcorp Genetics (formerly Invitae), Labcorp
Classification: Pathogenic for Juvenile polyposis syndrome. Last evaluated: 2021-04-10. Review status: criteria provided, single submitter. Criteria: Invitae Variant Classification Sherloc (09022015). Collection method: clinical testing. Allele origin: germline.
Comment: For these reasons, this variant has been classified as Pathogenic. This variant has not been reported in the literature in individuals with BMPR1A-related conditions. This variant is not present in population databases (ExAC no frequency). This sequence change creates a premature translational stop signal (p.Gly341Valfs*23) in the BMPR1A gene. It is expected to result in an absent or disrupted protein product. Loss-of-function variants in BMPR1A are known to be pathogenic (PMID: 11536076, 12417513).

Literature cited by the submitters: PubMed 11536076; PubMed 12417513.

NM_004329.3(BMPR1A):c.1022del (p.Gly341fs)

Gene: BMPR1A (bone morphogenetic protein receptor type 1A; plus strand). Cytogenetic location: 10q23.2.
Variant type: Deletion.
Coding change: c.1022del on transcript NM_004329.3 (MANE Select); coding-DNA position 1022, one base deleted (G; older notation c.1022delG).
Protein change: p.Gly341fs; shifts the reading frame from glycine 341.
Molecular consequence: frameshift variant.
Genome position (GRCh38, 1-based): chr10:86,919,325, G deleted; the last of 2 consecutive G bases (chr10:86,919,324-86,919,325); deleting either gives the same sequence. VCF-style (leftmost placement, unchanged base first): chr10-86919323-TG-T. GRCh37 (hg19) VCF-style: chr10-88679080-TG-T.
Other names: short protein forms G341fs.
Identifiers: ClinVar variation 1437360 (VCV001437360.6), dbSNP rs2133591810, ClinGen allele CA2573145712.